The following is an entry in ClinVar:

NM_000206.3(IL2RG):c.924+5G>C

Gene: IL2RG (interleukin 2 receptor subunit gamma; minus strand). Cytogenetic location: Xq13.1.
Variant type: single nucleotide variant.
Coding change: c.924+5G>C on transcript NM_000206.3 (MANE Select); 5 bases into the intron after coding-DNA position 924, G replaced by C.
Molecular consequence: intron variant.
Genome position (GRCh38, 1-based): chrX:71,108,272, C>G on the plus strand (G>C on the coding strand, the complement: IL2RG is on the minus strand). VCF-style: chrX-71108272-C-G. GRCh37 (hg19) VCF-style: chrX-70328122-C-G.
Other names: c.*44+5G>C (NM_001438870.1).
Identifiers: ClinVar variation 5022786 (VCV005022786.1).

ClinVar aggregate classification (germline): Likely pathogenic (1 of 4 stars; one submission).

Conditions:
Inborn genetic diseases. Identifiers: MedGen C0950123, MeSH D030342.

Submission:

Ambry Genetics
Classification: Likely pathogenic for Inborn genetic diseases. Last evaluated: 2026-06-16. Review status: criteria provided, single submitter. Criteria: Ambry Variant Classification Scheme 2023. Collection method: clinical testing. Allele origin: germline.
Comment: The c.924+5G>C intronic alteration consists of a G to C substitution 5 nucleotides after exon 7 (coding exon 7) in the IL2RG gene. This variant was not reported in population-based cohorts in the Genome Aggregation Database (gnomAD). This variant was reported in individual(s) with features consistent with X-linked severe combined immunodeficiency (Ding, 2025; Puck, 1997). Note, this variant is also referred to asc.938+5G>C in the literature. This nucleotide position is highly conserved in available vertebrate species. RNA studies have demonstrated that this variant results in abnormal splicing in the set of samples tested (Ding, 2025). In silico splice site analysis predicts that this alteration will weaken the native splice donor site. Based on the available evidence, this alteration is classified as likely pathogenic.

Literature cited by the submitters: PubMed 9058718; PubMed 40491749.